The following is an entry in ClinVar:

ClinVar aggregate classification (germline): Pathogenic (1 of 4 stars; one submission).

Conditions:
Long QT syndrome (LQTS). Identifiers: MedGen C0023976, MeSH D008133, MONDO:0002442. Disease mechanism: loss of function. Inheritance: Various modes of inheritance.

Submission:

Labcorp Genetics (formerly Invitae), Labcorp
Classification: Pathogenic for Long QT syndrome. Last evaluated: 2023-01-20. Review status: criteria provided, single submitter. Criteria: Invitae Variant Classification Sherloc (09022015). Collection method: clinical testing. Allele origin: germline.
Comment: For these reasons, this variant has been classified as Pathogenic. ClinVar contains an entry for this variant (Variation ID: 956361). This premature translational stop signal has been observed in individual(s) with long QT syndrome (PMID: 24667783). This variant is not present in population databases (gnomAD no frequency). This sequence change creates a premature translational stop signal (p.Leu343Serfs*17) in the KCNH2 gene. It is expected to result in an absent or disrupted protein product. Loss-of-function variants in KCNH2 are known to be pathogenic (PMID: 10973849, 19862833).

Literature cited by the submitters: PubMed 24667783; PubMed 10973849; PubMed 19862833.

NM_000238.4(KCNH2):c.1027del (p.Leu343fs)

Gene: KCNH2 (potassium voltage-gated channel subfamily H member 2; minus strand). Cytogenetic location: 7q36.1.
Variant type: Deletion.
Coding change: c.1027del on transcript NM_000238.4 (MANE Select); coding-DNA position 1027, one base deleted (C; older notation c.1027delC).
Protein change: p.Leu343fs; shifts the reading frame from leucine 343.
Molecular consequence: frameshift variant.
Genome position (GRCh38, 1-based): chr7:150,957,392, G deleted on the plus strand (C on the coding strand, the reverse complement: KCNH2 is on the minus strand); the first of 2 consecutive G bases (chr7:150,957,392-150,957,393); deleting either gives the same sequence. VCF-style (leftmost placement, unchanged base first): chr7-150957391-AG-A. GRCh37 (hg19) VCF-style: chr7-150654479-AG-A.
Other names: c.1026delC, p.Leu343Serfs (NM_000238.3, NM_172056.3); c.738delC, p.Leu247Serfs (NM_001406753.1, NM_001406756.1); c.849delC, p.Leu284Serfs (NM_001406755.1); c.726delC, p.Leu243Serfs (NM_001406757.1); short protein forms L343fs.
Identifiers: ClinVar variation 956361 (VCV000956361.11), dbSNP rs1801409660, ClinGen allele CA1139660314.